The following is an entry in ClinVar:

NM_007126.5(VCP):c.1951_1952insTG (p.Lys651fs)

Gene: VCP (valosin containing protein; minus strand). Cytogenetic location: 9p13.3.
Variant type: Insertion.
Coding change: c.1951_1952insTG on transcript NM_007126.5 (MANE Select); coding-DNA positions 1951 to 1952, TG inserted.
Protein change: p.Lys651fs; shifts the reading frame from lysine 651.
Molecular consequence: frameshift variant.
Genome position: GRCh38 VCF-style: chr9-35059545-T-TCA. GRCh37 (hg19) VCF-style: chr9-35059542-T-TCA.
Other names: c.1816_1817insTG, p.Lys606fs (NM_001354927.2, NM_001354928.2); short protein forms K606fs, K651fs.
Identifiers: ClinVar variation 4198558 (VCV004198558.1).

ClinVar aggregate classification (germline): Pathogenic (1 of 4 stars; one submission).

Conditions:
Inborn genetic diseases. Identifiers: MedGen C0950123, MeSH D030342.

Submission:

Ambry Genetics
Classification: Pathogenic for Inborn genetic diseases. Last evaluated: 2025-08-08. Review status: criteria provided, single submitter. Criteria: Ambry Variant Classification Scheme 2023. Collection method: clinical testing. Allele origin: germline.
Comment: The c.1951_1952insTG (p.K651Mfs*29) alteration, located in coding exon 14 of the VCP gene, consists of an insertion of TG at position 1951, causing a translational frameshift with a predicted alternate stop codon after 29 amino acids. This alteration is expected to result in loss of function by premature protein truncation or nonsense-mediated mRNA decay. for VCP-related neurodevelopmental disorder; however, its clinical significance for VCP-related multisystem proteinopathy is uncertain. This variant was not reported in population-based cohorts in the Genome Aggregation Database (gnomAD). Based on the available evidence, this alteration is classified as pathogenic.